The following is an entry in ClinVar:

ClinVar aggregate classification (germline): Likely pathogenic. Review status: criteria provided, multiple submitters, no conflicts (2 of 4 stars). 3 submissions from 3 submitters: Likely pathogenic (2). 1 of the submissions does not count toward it. Last evaluated 2024-06-04.

Conditions:
Glycogen storage disease, type V (GSD5). Also called: PYGM DEFICIENCY; McArdle type glycogen storage disease; MYOPHOSPHORYLASE DEFICIENCY; MCARDLE DISEASE; MUSCLE GLYCOGEN PHOSPHORYLASE DEFICIENCY. Identifiers: Orphanet 368, MedGen C0017924, MONDO:0009293, OMIM 232600.

Submissions (3):

Natera, Inc.
Classification: Likely pathogenic for Glycogen storage disease V. Last evaluated: 2024-06-04. Review status: criteria provided, single submitter. Criteria: Natera Variant Classification Schema (03/2026). Collection method: clinical testing. Allele origin: germline.
Comment: The c.217C>T variant in PYGM is a nonsense variant predicted to introduce a stop codon at amino acid 73. This variant is expected to result in nonsense mediated decay, truncation, or a dysfunctional protein product. This variant is rare in the general population with a frequency below the threshold expected for the associated phenotype(s). Given the available evidence, this variant is classified as Likely Pathogenic.

Baylor Genetics
Classification: Likely pathogenic for Glycogen storage disease, type V. Last evaluated: 2023-03-22. Review status: criteria provided, single submitter. Criteria: ACMG Guidelines, 2015. Collection method: clinical testing. Allele origin: unknown.

Counsyl
Classification: Likely pathogenic for Glycogen storage disease, type V. Last evaluated: 2016-10-14. Review status: no assertion criteria provided. Collection method: clinical testing. Allele origin: unknown. Not counted in ClinVar's aggregate classification.

NM_005609.4(PYGM):c.217C>T (p.Gln73Ter)

Gene: PYGM (glycogen phosphorylase, muscle associated; minus strand). Cytogenetic location: 11q13.1.
Variant type: single nucleotide variant.
Coding change: c.217C>T on transcript NM_005609.4 (MANE Select); coding-DNA position 217, C replaced by T.
Protein change: p.Gln73Ter; replaces glutamine 73 with a stop codon.
Molecular consequence: nonsense.
Genome position (GRCh38, 1-based): chr11:64,759,682, G>A on the plus strand (C>T on the coding strand, the complement: PYGM is on the minus strand). VCF-style: chr11-64759682-G-A. GRCh37 (hg19) VCF-style: chr11-64527154-G-A.
Other names: c.217C>T, p.Gln73Ter (NM_001164716.1); c.217C>T (NM_005609.3); short protein forms Q73*.
Identifiers: ClinVar variation 371552 (VCV000371552.5), dbSNP rs1057517361, ClinGen allele CA16041506.